The following is an entry in ClinVar:

ClinVar aggregate classification (germline): Uncertain significance (1 of 4 stars; one submission).

Allele frequency attached by ClinVar (database versions not stated): gnomAD exomes 0.00001 and 0.00002; ExAC 0.00002.
gnomAD v4.1: 6 of 1,614,208 alleles (0.00037%); highest among the groups gnomAD compares: Admixed American, 0.01%; 1 homozygote.

Submission:

Labcorp Genetics (formerly Invitae), Labcorp
Classification: Uncertain significance. Last evaluated: 2022-07-26. Review status: criteria provided, single submitter. Criteria: Invitae Variant Classification Sherloc (09022015). Collection method: clinical testing. Allele origin: germline.
Comment: This sequence change replaces histidine, which is basic and polar, with arginine, which is basic and polar, at codon 690 of the TRPM1 protein (p.His690Arg). This variant is present in population databases (rs750905683, gnomAD 0.01%). This variant has not been reported in the literature in individuals affected with TRPM1-related conditions. ClinVar contains an entry for this variant (Variation ID: 1465932). Algorithms developed to predict the effect of missense changes on protein structure and function output the following: SIFT: "Tolerated"; PolyPhen-2: "Benign"; Align-GVGD: "Class C0". The arginine amino acid residue is found in multiple mammalian species, which suggests that this missense change does not adversely affect protein function. In summary, the available evidence is currently insufficient to determine the role of this variant in disease. Therefore, it has been classified as a Variant of Uncertain Significance.

NM_001252024.2(TRPM1):c.2135A>G (p.His712Arg)

Gene: TRPM1 (transient receptor potential cation channel subfamily M member 1; minus strand). Cytogenetic location: 15q13.3.
Variant type: single nucleotide variant.
Coding change: c.2135A>G on transcript NM_001252024.2 (MANE Select); coding-DNA position 2135, A replaced by G.
Protein change: p.His712Arg; replaces histidine 712 with arginine.
Molecular consequence: missense variant.
Genome position (GRCh38, 1-based): chr15:31,040,299, T>C on the plus strand (A>G on the coding strand, the complement: TRPM1 is on the minus strand). VCF-style: chr15-31040299-T-C. GRCh37 (hg19) VCF-style: chr15-31332502-T-C.
Other names: c.2186A>G, p.His729Arg (NM_001252020.2); c.2069A>G, p.His690Arg (NM_002420.6); short protein forms H729R, H712R, H690R.
Identifiers: ClinVar variation 1465932 (VCV001465932.4), dbSNP rs750905683, ClinGen allele CA7452300.